The following is an entry in ClinVar:

NM_020163.3(SEMA3G):c.814-4G>T

Gene: SEMA3G (semaphorin 3G; minus strand). Cytogenetic location: 3p21.1.
Variant type: single nucleotide variant.
Coding change: c.814-4G>T on transcript NM_020163.3 (MANE Select); 4 bases into the intron before coding-DNA position 814, G replaced by T.
Molecular consequence: intron variant.
Genome position (GRCh38, 1-based): chr3:52,441,052, C>A on the plus strand (G>T on the coding strand, the complement: SEMA3G is on the minus strand). VCF-style: chr3-52441052-C-A. GRCh37 (hg19) VCF-style: chr3-52475068-C-A.
Identifiers: ClinVar variation 3351229 (VCV003351229.1).

ClinVar aggregate classification (germline): Likely benign (0 of 4 stars; one submission).

Conditions:
SEMA3G-related disorder. Also called: SEMA3G-related condition.

Submission:

PreventionGenetics, part of Exact Sciences
Classification: Likely benign for SEMA3G-related condition. Last evaluated: 2022-06-06. Review status: no assertion criteria provided. Collection method: clinical testing. Allele origin: germline.
Comment: This variant is classified as likely benign based on ACMG/AMP sequence variant interpretation guidelines (Richards et al. 2015 PMID: 25741868, with internal and published modifications).